The following is an entry in ClinVar:

ClinVar aggregate classification (germline): Uncertain significance (1 of 4 stars; one submission).

Conditions:
X-linked severe combined immunodeficiency (SCIDX1). Also called: IMMUNODEFICIENCY 4; SCID, X-LINKED; SEVERE COMBINED IMMUNODEFICIENCY, X-LINKED, T CELL-NEGATIVE, B CELL-POSITIVE, NK CELL-NEGATIVE; X-Linked Combined Immunodeficiency Diseases; T-B+ severe combined immunodeficiency due to gamma chain deficiency. Identifiers: Orphanet 276, MedGen C6022468, MONDO:0010315, OMIM 300400. Disease mechanism: loss of function.

Submission:

Labcorp Genetics (formerly Invitae), Labcorp
Classification: Uncertain significance for X-linked severe combined immunodeficiency. Last evaluated: 2025-08-06. Review status: criteria provided, single submitter. Criteria: Invitae Variant Classification Sherloc (09022015). Collection method: clinical testing. Allele origin: germline.
Comment: This sequence change creates a premature translational stop signal (p.Cys351*) in the IL2RG gene. While this is not anticipated to result in nonsense mediated decay, it is expected to disrupt the last 19 amino acid(s) of the IL2RG protein. This variant is not present in population databases (gnomAD no frequency). This variant has not been reported in the literature in individuals affected with IL2RG-related conditions. Experimental studies and prediction algorithms are not available or were not evaluated, and the functional significance of this variant is currently unknown. In summary, the available evidence is currently insufficient to determine the role of this variant in disease. Therefore, it has been classified as a Variant of Uncertain Significance.

NM_000206.3(IL2RG):c.1053C>A (p.Cys351Ter)

Gene: IL2RG (interleukin 2 receptor subunit gamma; minus strand). Cytogenetic location: Xq13.1.
Variant type: single nucleotide variant.
Coding change: c.1053C>A on transcript NM_000206.3 (MANE Select); coding-DNA position 1053, C replaced by A.
Protein change: p.Cys351Ter; replaces cysteine 351 with a stop codon.
Molecular consequence: nonsense. On other transcripts: 3 prime UTR variant (1).
Genome position (GRCh38, 1-based): chrX:71,107,793, G>T on the plus strand (C>A on the coding strand, the complement: IL2RG is on the minus strand). VCF-style: chrX-71107793-G-T. GRCh37 (hg19) VCF-style: chrX-70327643-G-T.
Other names: c.*173C>A (NM_001438870.1); short protein forms C351*.
Identifiers: ClinVar variation 4811921 (VCV004811921.1).